The following is an entry in ClinVar:

ClinVar aggregate classification (germline): Likely pathogenic (0 of 4 stars; one submission).

Conditions:
CAPRIN1-related disorder. Also called: CAPRIN1-related condition.

Submission:

PreventionGenetics, part of Exact Sciences
Classification: Likely pathogenic for CAPRIN1-related condition. Last evaluated: 2024-05-07. Review status: no assertion criteria provided. Collection method: clinical testing. Allele origin: germline.
Comment: The CAPRIN1 c.1648delT variant is predicted to result in a frameshift and premature protein termination (p.Ser550Leufs*7). To our knowledge, this variant has not been reported in the literature or in a large population database, indicating this variant is rare. Frameshift variants in CAPRIN1 are expected to be pathogenic. This variant is interpreted as likely pathogenic.

NM_005898.5(CAPRIN1):c.1648del (p.Ser550fs)

Gene: CAPRIN1 (cell cycle associated protein 1; plus strand). Cytogenetic location: 11p13.
Variant type: Deletion.
Coding change: c.1648del on transcript NM_005898.5 (MANE Select); coding-DNA position 1648, one base deleted (T; older notation c.1648delT).
Protein change: p.Ser550fs; shifts the reading frame from serine 550.
Molecular consequence: frameshift variant.
Genome position (GRCh38, 1-based): chr11:34,091,999, T deleted; the last of 4 consecutive T bases (chr11:34,091,996-34,091,999); deleting any one gives the same sequence. VCF-style (leftmost placement, unchanged base first): chr11-34091995-CT-C. GRCh37 (hg19) VCF-style: chr11-34113542-CT-C.
Other names: c.1648del, p.Ser550fs (NM_203364.3); short protein forms S550fs.
Identifiers: ClinVar variation 3345374 (VCV003345374.1).